The following is an entry in ClinVar:

ClinVar aggregate classification (germline): Pathogenic (1 of 4 stars; one submission).

Submission:

GeneDx
Classification: Pathogenic. Last evaluated: 2024-10-24. Review status: criteria provided, single submitter. Criteria: GeneDx Variant Classification Process June 2021. Collection method: clinical testing. Allele origin: germline. Affected: yes.
Comment: Canonical splice site variant predicted to result in a null allele in a gene for which loss of function is a known mechanism of disease; Not observed at significant frequency in large population cohorts (gnomAD); Has not been previously published as pathogenic or benign to our knowledge

NM_000381.4(MID1):c.1656-1G>A

Genes: MID1 (midline 1; minus strand), LOC126863207 (BRD4-independent group 4 enhancer GRCh37_chrX:10416979-10418178; plus strand). Cytogenetic location: Xp22.2.
Variant type: single nucleotide variant.
Coding change: c.1656-1G>A on transcript NM_000381.4 (MANE Select); the canonical splice acceptor site of the intron before coding-DNA position 1656, G replaced by A.
Molecular consequence: splice acceptor variant.
Genome position (GRCh38, 1-based): chrX:10,449,717, C>T on the plus strand (G>A on the coding strand, the complement: MID1 is on the minus strand). VCF-style: chrX-10449717-C-T. GRCh37 (hg19) VCF-style: chrX-10417757-C-T.
Other names: c.1656-1G>A (NM_033290.4, NM_001098624.2, NM_001347733.2 and 1 more transcripts); c.1542-1G>A (NM_033289.2).
Identifiers: ClinVar variation 3893317 (VCV003893317.1).